The following is an entry in ClinVar:

NM_001111067.4(ACVR1):c.361C>T (p.His121Tyr)

Gene: ACVR1 (activin A receptor type 1; minus strand). Cytogenetic location: 2q24.1.
Variant type: single nucleotide variant.
Coding change: c.361C>T on transcript NM_001111067.4 (MANE Select); coding-DNA position 361, C replaced by T.
Protein change: p.His121Tyr; replaces histidine 121 with tyrosine.
Molecular consequence: missense variant.
Genome position (GRCh38, 1-based): chr2:157,778,313, G>A on the plus strand (C>T on the coding strand, the complement: ACVR1 is on the minus strand). VCF-style: chr2-157778313-G-A. GRCh37 (hg19) VCF-style: chr2-158634825-G-A.
Other names: c.361C>T, p.His121Tyr (NM_001105.5, NM_001347663.1, NM_001347664.1 and 3 more transcripts); c.361C>T (NM_001105.4); short protein forms H121Y.
Identifiers: ClinVar variation 871825 (VCV000871825.47), dbSNP rs756858830, ClinGen allele CA1919172.

ClinVar aggregate classification (germline): Uncertain significance. Review status: criteria provided, multiple submitters, no conflicts (2 of 4 stars). 4 submissions from 4 submitters: Uncertain significance (4). Last evaluated 2025-07-15.

Conditions:
Congenital heart disease (CHD). Identifiers: MedGen C0152021, MONDO:0005453. Disease mechanism: unknown.
Inborn genetic diseases. Identifiers: MedGen C0950123, MeSH D030342.

Allele frequency attached by ClinVar (database versions not stated): gnomAD 0.00001 and 0.00002; TOPMed 0.00001; gnomAD exomes 0.00002; ExAC 0.00003.
gnomAD v4.1: 27 of 1,613,884 alleles (0.0017%); highest among the groups gnomAD compares: Middle Eastern, 0.016%; no homozygotes.

Submissions (4):

Ambry Genetics
Classification: Uncertain significance for Inborn genetic diseases. Last evaluated: 2025-07-15. Review status: criteria provided, single submitter. Criteria: Ambry Variant Classification Scheme 2023. Collection method: clinical testing. Allele origin: germline.

Labcorp Genetics (formerly Invitae), Labcorp
Classification: Uncertain significance. Last evaluated: 2025-04-09. Review status: criteria provided, single submitter. Criteria: Invitae Variant Classification Sherloc (09022015). Collection method: clinical testing. Allele origin: germline.
Comment: This sequence change replaces histidine, which is basic and polar, with tyrosine, which is neutral and polar, at codon 121 of the ACVR1 protein (p.His121Tyr). This variant is present in population databases (rs756858830, gnomAD 0.003%). This variant has not been reported in the literature in individuals affected with ACVR1-related conditions. ClinVar contains an entry for this variant (Variation ID: 871825). An algorithm developed to predict the effect of missense changes on protein structure and function (PolyPhen-2) suggests that this variant is likely to be tolerated. In summary, the available evidence is currently insufficient to determine the role of this variant in disease. Therefore, it has been classified as a Variant of Uncertain Significance.

Department of Pathology and Laboratory Medicine, Sinai Health System
Classification: Uncertain significance for congenital heart disease. Last evaluated: 2022-07-26. Review status: criteria provided, single submitter. Criteria: ACMG Guidelines, 2015. Collection method: research. Allele origin: germline.

CeGaT Center for Human Genetics Tuebingen
Classification: Uncertain significance. Last evaluated: 2020-01-01. Review status: criteria provided, single submitter. Criteria: CeGaT Center For Human Genetics Tuebingen Variant Classification Criteria Version 2. Collection method: clinical testing. Allele origin: germline. Affected: yes. Observed: 1 variant allele.